The following is an entry in ClinVar:

NM_003072.5(SMARCA4):c.972C>T (p.Pro324=)

Gene: SMARCA4 (SWI/SNF related BAF chromatin remodeling complex subunit ATPase 4; plus strand). Cytogenetic location: 19p13.2.
Variant type: single nucleotide variant.
Coding change: c.972C>T on transcript NM_003072.5 (MANE Select); coding-DNA position 972, C replaced by T.
Protein change: p.Pro324=; no amino-acid change (proline 324 retained).
Molecular consequence: synonymous variant. On other transcripts: non-coding transcript variant (1).
Genome position (GRCh38, 1-based): chr19:10,987,778, C>T. VCF-style: chr19-10987778-C-T. GRCh37 (hg19) VCF-style: chr19-11098454-C-T.
Other names: c.972C>T, p.Pro324= (NM_001128844.3, NM_001128845.2, NM_001128846.2 and 5 more transcripts).
Identifiers: ClinVar variation 238533 (VCV000238533.23), dbSNP rs369239429, ClinGen allele CA9203646.

ClinVar aggregate classification (germline): Benign/Likely benign. Review status: criteria provided, multiple submitters, no conflicts (2 of 4 stars). 6 submissions from 6 submitters: Benign (2); Likely benign (3). 1 of the submissions does not count toward it. Last evaluated 2026-07-09.

Conditions:
SMARCA4-related disorder. Also called: SMARCA4-related condition.
Hereditary cancer-predisposing syndrome. Also called: Hereditary Cancer Syndrome; Tumor predisposition; Hereditary neoplastic syndrome; Neoplastic Syndromes, Hereditary. Identifiers: Orphanet 140162, MedGen C0027672, MeSH D009386, MONDO:0015356.
Rhabdoid tumor predisposition syndrome 2 (RTPS2). Identifiers: Orphanet 231108, Orphanet 69077, MedGen C2750074, MONDO:0013224, OMIM 613325.

Allele frequency attached by ClinVar (database versions not stated): ExAC 0.00009; gnomAD 0.00023 and 0.00026; gnomAD exomes 0.00010; TOPMed 0.00030; ESP Exome Variant Server 0.00032; 1000 Genomes Project 30x 0.00016.
gnomAD v4.1: 131 of 1,599,690 alleles (0.0082%); highest among the groups gnomAD compares: African/African-American, 0.071%; no homozygotes.

Submissions (6):

Myriad Genetics, Inc.
Classification: Benign for Rhabdoid tumor predisposition syndrome 2. Last evaluated: 2026-07-09. Review status: criteria provided, single submitter. Criteria: Myriad Autosomal Dominant, Autosomal Recessive and X-Linked Classification Criteria (2023). Collection method: clinical testing. Allele origin: unknown.
Comment: This variant is considered benign. This variant is a silent/synonymous amino acid change and it is not expected to impact splicing.

Labcorp Genetics (formerly Invitae), Labcorp
Classification: Likely benign for Rhabdoid tumor predisposition syndrome 2. Last evaluated: 2026-01-31. Review status: criteria provided, single submitter. Criteria: Invitae Variant Classification Sherloc (09022015). Collection method: clinical testing. Allele origin: germline.

Sema4
Classification: Benign for Hereditary cancer-predisposing syndrome. Last evaluated: 2021-05-29. Review status: criteria provided, single submitter. Criteria: Sema4 Curation Guidelines. Collection method: curation. Allele origin: germline.

GeneDx
Classification: Likely benign. Last evaluated: 2020-11-09. Review status: criteria provided, single submitter. Criteria: GeneDx Variant Classification Process June 2021. Collection method: clinical testing. Allele origin: germline. Affected: yes.

Ambry Genetics
Classification: Likely benign for Hereditary cancer-predisposing syndrome. Last evaluated: 2015-11-06. Review status: criteria provided, single submitter. Criteria: Ambry Variant Classification Scheme 2023. Collection method: clinical testing. Allele origin: germline.

PreventionGenetics, part of Exact Sciences
Classification: Likely benign for SMARCA4-related condition. Last evaluated: 2023-07-13. Review status: no assertion criteria provided. Collection method: clinical testing. Allele origin: germline. Not counted in ClinVar's aggregate classification.
Comment: This variant is classified as likely benign based on ACMG/AMP sequence variant interpretation guidelines (Richards et al. 2015 PMID: 25741868, with internal and published modifications).